The following is an entry in ClinVar:

ClinVar aggregate classification (germline): Benign/Likely benign. Review status: criteria provided, multiple submitters, no conflicts (2 of 4 stars). 6 submissions from 6 submitters: Benign (1); Likely benign (4). 1 of the submissions does not count toward it. Last evaluated 2026-09-21.

Conditions:
ALPK3-related disorder. Also called: ALPK3-related condition.
Cardiovascular phenotype. Identifiers: MedGen CN230736.

Allele frequency attached by ClinVar (database versions not stated): gnomAD exomes 0.00052 and 0.00026; gnomAD 0.00046 and 0.00043; TOPMed 0.00003; 1000 Genomes Project 30x 0.00016; ExAC 0.00044; 1000 Genomes Project 0.00020.
gnomAD v4.1: 446 of 1,614,046 alleles (0.028%); highest among the groups gnomAD compares: Non-Finnish European, 0.011%; no homozygotes.

Submissions (6):

Molecular Diagnostic Laboratory for Inherited Cardiovascular Disease, Montreal Heart Institute
Classification: Likely benign. Last evaluated: 2026-09-21. Review status: criteria provided, single submitter. Criteria: ACMG Guidelines, 2015. Collection method: clinical testing. Allele origin: germline. Affected: no.
Comment: PM2;BP1;BP7

Labcorp Genetics (formerly Invitae), Labcorp
Classification: Benign. Last evaluated: 2025-11-09. Review status: criteria provided, single submitter. Criteria: Invitae Variant Classification Sherloc (09022015). Collection method: clinical testing. Allele origin: germline.

Blueprint Genetics
Classification: Likely benign. Last evaluated: 2024-11-25. Review status: criteria provided, single submitter. Criteria: ACMG Guidelines, 2015. Collection method: clinical testing. Allele origin: germline.

GeneDx
Classification: Likely benign. Last evaluated: 2021-06-17. Review status: criteria provided, single submitter. Criteria: GeneDx Variant Classification Process June 2021. Collection method: clinical testing. Allele origin: germline. Affected: yes.

Ambry Genetics
Classification: Likely benign for Cardiovascular phenotype. Last evaluated: 2020-11-27. Review status: criteria provided, single submitter. Criteria: Ambry Variant Classification Scheme 2023. Collection method: clinical testing. Allele origin: germline.

PreventionGenetics, part of Exact Sciences
Classification: Likely benign for ALPK3-related condition. Last evaluated: 2020-09-08. Review status: no assertion criteria provided. Collection method: clinical testing. Allele origin: germline. Not counted in ClinVar's aggregate classification.
Comment: This variant is classified as likely benign based on ACMG/AMP sequence variant interpretation guidelines (Richards et al. 2015 PMID: 25741868, with internal and published modifications).

NM_020778.5(ALPK3):c.2469A>G (p.Ser823=)

Gene: ALPK3 (alpha kinase 3; plus strand). Cytogenetic location: 15q25.3.
Variant type: single nucleotide variant.
Coding change: c.2469A>G on transcript NM_020778.5 (MANE Select); coding-DNA position 2469, A replaced by G.
Protein change: p.Ser823=; no amino-acid change (serine 823 retained).
Molecular consequence: synonymous variant.
Genome position (GRCh38, 1-based): chr15:84,857,207, A>G. VCF-style: chr15-84857207-A-G. GRCh37 (hg19) VCF-style: chr15-85400438-A-G.
Identifiers: ClinVar variation 392063 (VCV000392063.55), dbSNP rs201780221, ClinGen allele CA7709419.